The following is an entry in ClinVar:

NM_006031.6(PCNT):c.445A>T (p.Ser149Cys)

Gene: PCNT (pericentrin; plus strand). Cytogenetic location: 21q22.3.
Variant type: single nucleotide variant.
Coding change: c.445A>T on transcript NM_006031.6 (MANE Select); coding-DNA position 445, A replaced by T.
Protein change: p.Ser149Cys; replaces serine 149 with cysteine.
Molecular consequence: missense variant.
Genome position (GRCh38, 1-based): chr21:46,334,574, A>T. VCF-style: chr21-46334574-A-T. GRCh37 (hg19) VCF-style: chr21-47754488-A-T.
Other names: c.91A>T, p.Ser31Cys (NM_001315529.2); short protein forms S149C, S31C.
Identifiers: ClinVar variation 159604 (VCV000159604.13), dbSNP rs111737555, ClinGen allele CA251070.

ClinVar aggregate classification (germline): Uncertain significance. Review status: criteria provided, multiple submitters, no conflicts (2 of 4 stars). 4 submissions from 4 submitters: Uncertain significance (3). 1 of the submissions does not count toward it. Last evaluated 2024-05-22.

Conditions:
PCNT-related disorder. Also called: PCNT-related condition.
Microcephalic osteodysplastic primordial dwarfism type II (MOPD2). Also called: Microcephalic osteodysplastic primordial dwarfism with tooth abnormalities; MOPD II; OSTEODYSPLASTIC PRIMORDIAL DWARFISM, TYPE II. Identifiers: Orphanet 2637, MedGen C0432246, MONDO:0008872, OMIM 210720.

Allele frequency attached by ClinVar (database versions not stated): 1000 Genomes Project 0.00020; ESP Exome Variant Server 0.00023; TOPMed 0.00027.
gnomAD v4.1: 127 of 1,563,442 alleles (0.0081%); highest among the groups gnomAD compares: African/African-American, 0.11%; 2 homozygotes.

Submissions (4):

Labcorp Genetics (formerly Invitae), Labcorp
Classification: Uncertain significance. Last evaluated: 2024-05-22. Review status: criteria provided, single submitter. Criteria: Invitae Variant Classification Sherloc (09022015). Collection method: clinical testing. Allele origin: germline.
Comment: This sequence change replaces serine, which is neutral and polar, with cysteine, which is neutral and slightly polar, at codon 149 of the PCNT protein (p.Ser149Cys). This variant is present in population databases (rs111737555, gnomAD 0.08%). This variant has not been reported in the literature in individuals affected with PCNT-related conditions. ClinVar contains an entry for this variant (Variation ID: 159604). An algorithm developed to predict the effect of missense changes on protein structure and function (PolyPhen-2) suggests that this variant is likely to be disruptive. In summary, the available evidence is currently insufficient to determine the role of this variant in disease. Therefore, it has been classified as a Variant of Uncertain Significance.

GeneDx
Classification: Uncertain significance. Last evaluated: 2017-08-11. Review status: criteria provided, single submitter. Criteria: GeneDx Variant Classification (06012015). Collection method: clinical testing. Allele origin: germline. Affected: yes.
Comment: A variant of uncertain significance has been identified in the PCNT gene. The S2433P variant has not been published as a pathogenic variant, nor has it been reported as a benign variant to our knowledge. The S2433P variant is observed in 6/10382 (0.1%) alleles from individuals of African background (Lek et al., 2016; 1000 Genomes Consortium et al., 2015; Exome Variant Server). The S2433P variant is a non-conservative amino acid substitution, which is likely to impact secondary protein structure as these residues differ in polarity, charge, size and/or other properties. This substitution occurs at a position that is conserved in mammals. In silico analysis predicts this variant likely does not alter the protein structure/function. Therefore, based on the currently available information, it is unclear whether this variant is a pathogenic variant or a rare benign variant.

Genetic Services Laboratory, University of Chicago
Classification: Uncertain significance for Microcephalic osteodysplastic primordial dwarfism, type II. Last evaluated: 2014-04-29. Review status: criteria provided, single submitter. Criteria: ACMG Guidelines, 2007. Collection method: clinical testing. Allele origin: germline. Inheritance: Autosomal recessive inheritance.

PreventionGenetics, part of Exact Sciences
Classification: Likely benign for PCNT-related condition. Last evaluated: 2024-01-29. Review status: no assertion criteria provided. Collection method: clinical testing. Allele origin: germline. Not counted in ClinVar's aggregate classification.
Comment: This variant is classified as likely benign based on ACMG/AMP sequence variant interpretation guidelines (Richards et al. 2015 PMID: 25741868, with internal and published modifications).